The following is an entry in ClinVar:

NM_173689.7(CRB2):c.805C>T (p.Pro269Ser)

Gene: CRB2 (crumbs cell polarity complex component 2; plus strand). Cytogenetic location: 9q33.3.
Variant type: single nucleotide variant.
Coding change: c.805C>T on transcript NM_173689.7 (MANE Select); coding-DNA position 805, C replaced by T.
Protein change: p.Pro269Ser; replaces proline 269 with serine.
Molecular consequence: missense variant.
Genome position (GRCh38, 1-based): chr9:123,367,222, C>T. VCF-style: chr9-123367222-C-T. GRCh37 (hg19) VCF-style: chr9-126129501-C-T.
Other names: short protein forms P269S.
Identifiers: ClinVar variation 1396424 (VCV001396424.8), dbSNP rs748154967, ClinGen allele CA374858764.

ClinVar aggregate classification (germline): Uncertain significance (1 of 4 stars; one submission).

gnomAD v4.1: 12 of 1,600,776 alleles (0.00075%); highest among the groups gnomAD compares: South Asian, 0.0022%; no homozygotes.

Submission:

Labcorp Genetics (formerly Invitae), Labcorp
Classification: Uncertain significance. Last evaluated: 2021-05-19. Review status: criteria provided, single submitter. Criteria: Invitae Variant Classification Sherloc (09022015). Collection method: clinical testing. Allele origin: germline.
Comment: In summary, the available evidence is currently insufficient to determine the role of this variant in disease. Therefore, it has been classified as a Variant of Uncertain Significance. Advanced modeling of protein sequence and biophysical properties (such as structural, functional, and spatial information, amino acid conservation, physicochemical variation, residue mobility, and thermodynamic stability) performed at Invitae indicates that this missense variant is expected to disrupt CRB2 protein function. This variant has not been reported in the literature in individuals with CRB2-related conditions. This variant is not present in population databases (ExAC no frequency). This sequence change replaces proline with serine at codon 269 of the CRB2 protein (p.Pro269Ser). The proline residue is highly conserved and there is a moderate physicochemical difference between proline and serine.